The following is an entry in ClinVar:

NM_000338.3(SLC12A1):c.26T>C (p.Val9Ala)

Gene: SLC12A1 (solute carrier family 12 member 1; plus strand). Cytogenetic location: 15q21.1.
Variant type: single nucleotide variant.
Coding change: c.26T>C on transcript NM_000338.3 (MANE Select); coding-DNA position 26, T replaced by C.
Protein change: p.Val9Ala; replaces valine 9 with alanine.
Molecular consequence: missense variant.
Genome position (GRCh38, 1-based): chr15:48,207,745, T>C. VCF-style: chr15-48207745-T-C. GRCh37 (hg19) VCF-style: chr15-48499942-T-C.
Other names: c.26T>C, p.Val9Ala (NM_001184832.2, NM_001384136.1); short protein forms V9A.
Identifiers: ClinVar variation 1056225 (VCV001056225.6), dbSNP rs764642727, ClinGen allele CA7546678.

ClinVar aggregate classification (germline): Uncertain significance (1 of 4 stars; one submission).

Allele frequency attached by ClinVar (database versions not stated): gnomAD exomes below 0.00001; ExAC 0.00001; TOPMed 0.00002; gnomAD 0.00003.
gnomAD v4.1: 6 of 1,592,556 alleles (0.00038%); highest among the groups gnomAD compares: Non-Finnish European, 0.00017%; no homozygotes.

Submission:

Labcorp Genetics (formerly Invitae), Labcorp
Classification: Uncertain significance. Last evaluated: 2021-08-27. Review status: criteria provided, single submitter. Criteria: Invitae Variant Classification Sherloc (09022015). Collection method: clinical testing. Allele origin: germline.
Comment: This sequence change replaces valine with alanine at codon 9 of the SLC12A1 protein (p.Val9Ala). The valine residue is weakly conserved and there is a small physicochemical difference between valine and alanine. This variant is present in population databases (rs764642727, ExAC 0.002%). This variant has not been reported in the literature in individuals affected with SLC12A1-related conditions. Algorithms developed to predict the effect of missense changes on protein structure and function output the following: SIFT: "Tolerated"; PolyPhen-2: "Benign"; Align-GVGD: "Class C0". The alanine amino acid residue is found in multiple mammalian species, which suggests that this missense change does not adversely affect protein function. In summary, the available evidence is currently insufficient to determine the role of this variant in disease. Therefore, it has been classified as a Variant of Uncertain Significance.